The following is an entry in ClinVar:

ClinVar aggregate classification (germline): Likely benign. Review status: criteria provided, multiple submitters, no conflicts (2 of 4 stars). 5 submissions from 5 submitters: Likely benign (5). Last evaluated 2026-04-10.

Conditions:
Inborn genetic diseases. Identifiers: MedGen C0950123, MeSH D030342.
CHD8-related disorder. Also called: CHD8-related disorders; CHD8-related condition.

Allele frequency attached by ClinVar (database versions not stated): gnomAD 0.00002 and 0.00003; TOPMed 0.00008; ESP Exome Variant Server 0.00010.

Submissions (5):

PreventionGenetics, part of Exact Sciences
Classification: Likely benign for CHD8-related condition. Last evaluated: 2026-04-10. Review status: criteria provided, single submitter. Criteria: ACMG Guidelines, 2015. Collection method: clinical testing. Allele origin: germline.
Comment: This variant is classified as likely benign based on ACMG/AMP sequence variant interpretation guidelines (Richards et al. 2015 PMID: 25741868, with internal and published modifications).

Labcorp Genetics (formerly Invitae), Labcorp
Classification: Likely benign. Last evaluated: 2025-10-27. Review status: criteria provided, single submitter. Criteria: Invitae Variant Classification Sherloc (09022015). Collection method: clinical testing. Allele origin: germline.

Ambry Genetics
Classification: Likely benign for Inborn genetic diseases. Last evaluated: 2023-12-20. Review status: criteria provided, single submitter. Criteria: Ambry Variant Classification Scheme 2023. Collection method: clinical testing. Allele origin: germline.

CeGaT Center for Human Genetics Tuebingen
Classification: Likely benign. Last evaluated: 2022-06-01. Review status: criteria provided, single submitter. Criteria: CeGaT Center For Human Genetics Tuebingen Variant Classification Criteria Version 2. Collection method: clinical testing. Allele origin: germline. Affected: yes. Observed: 1 variant allele.
Comment: CHD8: PP2, BS2

GeneDx
Classification: Likely benign. Last evaluated: 2020-12-15. Review status: criteria provided, single submitter. Criteria: GeneDx Variant Classification Process June 2021. Collection method: clinical testing. Allele origin: germline. Affected: yes.

NM_001170629.2(CHD8):c.667G>C (p.Val223Leu)

Gene: CHD8 (chromodomain helicase DNA binding protein 8; minus strand). Cytogenetic location: 14q11.2.
Variant type: single nucleotide variant.
Coding change: c.667G>C on transcript NM_001170629.2 (MANE Select); coding-DNA position 667, G replaced by C.
Protein change: p.Val223Leu; replaces valine 223 with leucine.
Molecular consequence: missense variant. On other transcripts: intron variant (1).
Genome position (GRCh38, 1-based): chr14:21,430,977, C>G on the plus strand (G>C on the coding strand, the complement: CHD8 is on the minus strand). VCF-style: chr14-21430977-C-G. GRCh37 (hg19) VCF-style: chr14-21899136-C-G.
Other names: c.6+834G>C (NM_020920.4); short protein forms V223L.
Identifiers: ClinVar variation 589599 (VCV000589599.35), dbSNP rs369329090, ClinGen allele CA7091922.